The following is an entry in ClinVar:

NM_001267550.2(TTN):c.1964C>A (p.Ala655Asp)

Gene: TTN (titin; minus strand). Cytogenetic location: 2q31.2.
Variant type: single nucleotide variant.
Coding change: c.1964C>A on transcript NM_001267550.2 (MANE Select); coding-DNA position 1964, C replaced by A.
Protein change: p.Ala655Asp; replaces alanine 655 with aspartic acid.
Molecular consequence: missense variant.
Genome position (GRCh38, 1-based): chr2:178,789,472, G>T on the plus strand (C>A on the coding strand, the complement: TTN is on the minus strand). VCF-style: chr2-178789472-G-T. GRCh37 (hg19) VCF-style: chr2-179654199-G-T.
Other names: c.1964C>A, p.Ala655Asp (NM_001256850.1, NM_133378.4, NM_133379.5); c.1826C>A, p.Ala609Asp (NM_003319.4, NM_133432.3, NM_133437.4); short protein forms A655D, A609D.
Identifiers: ClinVar variation 466870 (VCV000466870.5), dbSNP rs763912778, ClinGen allele CA2005928.

ClinVar aggregate classification (germline): Uncertain significance. Review status: criteria provided, multiple submitters, no conflicts (2 of 4 stars). 2 submissions from 2 submitters: Uncertain significance (2). Last evaluated 2018-12-03.

Conditions:
Cardiovascular phenotype. Identifiers: MedGen CN230736.
Autosomal recessive limb-girdle muscular dystrophy type 2J (LGMDR10). Also called: Limb-girdle muscular dystrophy, type 2J; MUSCULAR DYSTROPHY, LIMB-GIRDLE, AUTOSOMAL RECESSIVE 10. Identifiers: Orphanet 140922, MedGen C1837342, MONDO:0012127, OMIM 608807.
Dilated cardiomyopathy 1G (CMD1G). Identifiers: Orphanet 154, MedGen C1858763, MONDO:0011400, OMIM 604145.

gnomAD v4.1: 2 of 1,613,284 alleles (0.00012%); highest among the groups gnomAD compares: Admixed American, 0.0033%; no homozygotes.

Submissions (2):

Ambry Genetics
Classification: Uncertain significance for Cardiovascular phenotype. Last evaluated: 2018-12-03. Review status: criteria provided, single submitter. Criteria: Ambry Variant Classification Scheme 2023. Collection method: clinical testing. Allele origin: germline.
Comment: The p.A609D variant (also known as c.1826C>A), located in coding exon 11 of the TTN gene, results from a C to A substitution at nucleotide position 1826. The alanine at codon 609 is replaced by aspartic acid, an amino acid with dissimilar properties. This amino acid position is well conserved in available vertebrate species. In addition, this alteration is predicted to be deleterious by in silico analysis. Since supporting evidence is limited at this time, the clinical significance of this alteration remains unclear.

Labcorp Genetics (formerly Invitae), Labcorp
Classification: Uncertain significance for Dilated cardiomyopathy 1G; Autosomal recessive limb-girdle muscular dystrophy type 2J. Last evaluated: 2017-07-17. Review status: criteria provided, single submitter. Criteria: Invitae Variant Classification Sherloc (09022015). Collection method: clinical testing. Allele origin: germline.